The following is an entry in ClinVar:

NM_004667.6(HERC2):c.8506A>G (p.Ile2836Val)

Gene: HERC2 (HECT and RLD domain containing E3 ubiquitin protein ligase 2; minus strand). Cytogenetic location: 15q13.1.
Variant type: single nucleotide variant.
Coding change: c.8506A>G on transcript NM_004667.6 (MANE Select); coding-DNA position 8506, A replaced by G.
Protein change: p.Ile2836Val; replaces isoleucine 2836 with valine.
Molecular consequence: missense variant.
Genome position (GRCh38, 1-based): chr15:28,191,190, T>C on the plus strand (A>G on the coding strand, the complement: HERC2 is on the minus strand). VCF-style: chr15-28191190-T-C. GRCh37 (hg19) VCF-style: chr15-28436336-T-C.
Other names: c.8506A>G (NM_004667.5); short protein forms I2836V.
Identifiers: ClinVar variation 2403122 (VCV002403122.3), dbSNP rs140167298, ClinGen allele CA7441453.

ClinVar aggregate classification (germline): Uncertain significance. Review status: criteria provided, multiple submitters, no conflicts (2 of 4 stars). 2 submissions from 2 submitters: Uncertain significance (2). Last evaluated 2023-03-12.

Conditions:
Inborn genetic diseases. Identifiers: MedGen C0950123, MeSH D030342.

Allele frequency attached by ClinVar (database versions not stated): gnomAD exomes 0.00003; ExAC 0.00005; gnomAD 0.00022; TOPMed 0.00023; 1000 Genomes Project 30x 0.00062; 1000 Genomes Project 0.00080.
gnomAD v4.1: 85 of 1,613,998 alleles (0.0053%); highest among the groups gnomAD compares: African/African-American, 0.089%; no homozygotes.

Submissions (2):

GeneDx
Classification: Uncertain significance. Last evaluated: 2023-03-12. Review status: criteria provided, single submitter. Criteria: GeneDx Variant Classification Process June 2021. Collection method: clinical testing. Allele origin: germline. Affected: yes.
Comment: In silico analysis supports that this missense variant does not alter protein structure/function; Has not been previously published as pathogenic or benign to our knowledge

Ambry Genetics
Classification: Uncertain significance for Inborn genetic diseases. Last evaluated: 2021-12-15. Review status: criteria provided, single submitter. Criteria: Ambry Variant Classification Scheme 2023. Collection method: clinical testing. Allele origin: germline.